The following is an entry in ClinVar:

ClinVar aggregate classification (germline): Uncertain significance (1 of 4 stars; one submission).

Allele frequency attached by ClinVar (database versions not stated): gnomAD exomes below 0.00001; ExAC 0.00001.

Submission:

Ambry Genetics
Classification: Uncertain significance. Last evaluated: 2022-11-11. Review status: criteria provided, single submitter. Criteria: Ambry Variant Classification Scheme 2023. Collection method: clinical testing. Allele origin: germline.
Comment: The p.L1419V variant (also known as c.4255T>G), located in coding exon 39 of the KIF1B gene, results from a T to G substitution at nucleotide position 4255. The leucine at codon 1419 is replaced by valine, an amino acid with highly similar properties. This amino acid position is conserved. In addition, the in silico prediction for this alteration is inconclusive. Since supporting evidence is limited at this time, the clinical significance of this alteration remains unclear.

NM_001365951.3(KIF1B):c.4393T>G (p.Leu1465Val)

Gene: KIF1B (kinesin family member 1B; plus strand). Cytogenetic location: 1p36.22.
Variant type: single nucleotide variant.
Coding change: c.4393T>G on transcript NM_001365951.3 (MANE Select); coding-DNA position 4393, T replaced by G.
Protein change: p.Leu1465Val; replaces leucine 1465 with valine.
Molecular consequence: missense variant.
Genome position (GRCh38, 1-based): chr1:10,365,126, T>G. VCF-style: chr1-10365126-T-G. GRCh37 (hg19) VCF-style: chr1-10425184-T-G.
Other names: c.4393T>G, p.Leu1465Val (NM_001365952.1); c.4255T>G, p.Leu1419Val (NM_015074.3); short protein forms L1465V, L1419V.
Identifiers: ClinVar variation 2448704 (VCV002448704.2), dbSNP rs778506898, ClinGen allele CA582074.